The following is an entry in ClinVar:

NM_033100.4(CDHR1):c.512C>G (p.Thr171Ser)

Gene: CDHR1 (cadherin related family member 1; plus strand). Cytogenetic location: 10q23.1.
Variant type: single nucleotide variant.
Coding change: c.512C>G on transcript NM_033100.4 (MANE Select); coding-DNA position 512, C replaced by G.
Protein change: p.Thr171Ser; replaces threonine 171 with serine.
Molecular consequence: missense variant.
Genome position (GRCh38, 1-based): chr10:84,200,674, C>G. VCF-style: chr10-84200674-C-G. GRCh37 (hg19) VCF-style: chr10-85960430-C-G.
Other names: c.512C>G (NM_033100.2); c.512C>G, p.Thr171Ser (NM_001171971.3); short protein forms T171S.
Identifiers: ClinVar variation 1002833 (VCV001002833.8), dbSNP rs759855253, ClinGen allele CA5579556.

ClinVar aggregate classification (germline): Uncertain significance. Review status: criteria provided, multiple submitters, no conflicts (2 of 4 stars). 3 submissions from 3 submitters: Uncertain significance (3). Last evaluated 2024-09-26.

Conditions:
Inborn genetic diseases. Identifiers: MedGen C0950123, MeSH D030342.

Allele frequency attached by ClinVar (database versions not stated): ExAC 0.00004.
gnomAD v4.1: 46 of 1,610,226 alleles (0.0029%); highest among the groups gnomAD compares: Non-Finnish European, 0.0036%; no homozygotes.

Submissions (3):

Ambry Genetics
Classification: Uncertain significance for Inborn genetic diseases. Last evaluated: 2024-09-26. Review status: criteria provided, single submitter. Criteria: Ambry Variant Classification Scheme 2023. Collection method: clinical testing. Allele origin: germline.

Blueprint Genetics
Classification: Uncertain significance. Last evaluated: 2023-12-12. Review status: criteria provided, single submitter. Criteria: ACMG Guidelines, 2015. Collection method: clinical testing. Allele origin: germline.

Labcorp Genetics (formerly Invitae), Labcorp
Classification: Uncertain significance. Last evaluated: 2022-10-17. Review status: criteria provided, single submitter. Criteria: Invitae Variant Classification Sherloc (09022015). Collection method: clinical testing. Allele origin: germline.
Comment: This sequence change replaces threonine, which is neutral and polar, with serine, which is neutral and polar, at codon 171 of the CDHR1 protein (p.Thr171Ser). This variant is present in population databases (rs759855253, gnomAD 0.005%). This variant has not been reported in the literature in individuals affected with CDHR1-related conditions. ClinVar contains an entry for this variant (Variation ID: 1002833). Advanced modeling of protein sequence and biophysical properties (such as structural, functional, and spatial information, amino acid conservation, physicochemical variation, residue mobility, and thermodynamic stability) performed at Invitae indicates that this missense variant is not expected to disrupt CDHR1 protein function. In summary, the available evidence is currently insufficient to determine the role of this variant in disease. Therefore, it has been classified as a Variant of Uncertain Significance.